The following is an entry in ClinVar:

ClinVar aggregate classification (germline): Likely benign (1 of 4 stars; one submission).

Allele frequency attached by ClinVar (database versions not stated): ExAC 0.00013; ESP Exome Variant Server 0.00015; 1000 Genomes Project 0.00020; 1000 Genomes Project 30x 0.00031.
gnomAD v4.1: 271 of 1,607,500 alleles (0.017%); highest among the groups gnomAD compares: Admixed American, 0.027%; no homozygotes.

Submission:

CeGaT Center for Human Genetics Tuebingen
Classification: Likely benign. Last evaluated: 2022-10-01. Review status: criteria provided, single submitter. Criteria: CeGaT Center For Human Genetics Tuebingen Variant Classification Criteria Version 2. Collection method: clinical testing. Allele origin: germline. Affected: yes. Observed: 1 variant allele.
Comment: HIVEP3: BP4, BP7

NM_024503.5(HIVEP3):c.6888C>T (p.Thr2296=)

Gene: HIVEP3 (HIVEP zinc finger 3; minus strand). Cytogenetic location: 1p34.2.
Variant type: single nucleotide variant.
Coding change: c.6888C>T on transcript NM_024503.5 (MANE Select); coding-DNA position 6888, C replaced by T.
Protein change: p.Thr2296=; no amino-acid change (threonine 2296 retained).
Molecular consequence: synonymous variant.
Genome position (GRCh38, 1-based): chr1:41,510,784, G>A on the plus strand (C>T on the coding strand, the complement: HIVEP3 is on the minus strand). VCF-style: chr1-41510784-G-A. GRCh37 (hg19) VCF-style: chr1-41976455-G-A.
Other names: c.6885C>T, p.Thr2295= (NM_001127714.3).
Identifiers: ClinVar variation 2638729 (VCV002638729.24), dbSNP rs200026565, ClinGen allele CA797069.